The following is an entry in ClinVar:

NM_001195518.2(MICU1):c.191A>G (p.Asp64Gly)

Gene: MICU1 (mitochondrial calcium uptake 1; minus strand). Cytogenetic location: 10q22.1.
Variant type: single nucleotide variant.
Coding change: c.191A>G on transcript NM_001195518.2 (MANE Select); coding-DNA position 191, A replaced by G.
Protein change: p.Asp64Gly; replaces aspartic acid 64 with glycine.
Molecular consequence: missense variant.
Genome position (GRCh38, 1-based): chr10:72,563,034, T>C on the plus strand (A>G on the coding strand, the complement: MICU1 is on the minus strand). VCF-style: chr10-72563034-T-C. GRCh37 (hg19) VCF-style: chr10-74322792-T-C.
Other names: c.191A>G, p.Asp64Gly (NM_001363513.2, NM_006077.4); short protein forms D64G.
Identifiers: ClinVar variation 1926400 (VCV001926400.2), dbSNP rs1426796562, ClinGen allele CA377395519.
Genomic context (GRCh38, chr10:72,563,034, plus strand): 5'-TTACAAACATCCCCTTCATCTTTATTCTTCCCTTTATCACCGATGTCACTTTTTAGGTTG[T>C]CTACACATGGTGGAGATTCTGCATGGGCCCTGGATATGCAAAAAAGAAATCTAGATTAAT-3'
Protein context (NP_001182447.1, residues 54-74): RAHAESPPCV[Asp64Gly]NLKSDIGDKG

ClinVar aggregate classification (germline): Uncertain significance (1 of 4 stars; one submission).

Allele frequency attached by ClinVar (database versions not stated): TOPMed below 0.00001; gnomAD 0.00001; gnomAD exomes 0.00001.
gnomAD v4.1: 8 of 1,592,826 alleles (0.0005%); highest among the groups gnomAD compares: Non-Finnish European, 0.00068%; no homozygotes.

Submission:

Labcorp Genetics (formerly Invitae), Labcorp
Classification: Uncertain significance. Last evaluated: 2022-06-26. Review status: criteria provided, single submitter. Criteria: Invitae Variant Classification Sherloc (09022015). Collection method: clinical testing. Allele origin: germline.
Comment: This sequence change replaces aspartic acid, which is acidic and polar, with glycine, which is neutral and non-polar, at codon 64 of the MICU1 protein (p.Asp64Gly). This variant is not present in population databases (gnomAD no frequency). This variant has not been reported in the literature in individuals affected with MICU1-related conditions. Algorithms developed to predict the effect of missense changes on protein structure and function are either unavailable or do not agree on the potential impact of this missense change (SIFT: "Tolerated"; PolyPhen-2: "Not Available"; Align-GVGD: "Class C0"). In summary, the available evidence is currently insufficient to determine the role of this variant in disease. Therefore, it has been classified as a Variant of Uncertain Significance.